The following is an entry in ClinVar:

ClinVar aggregate classification (germline): Pathogenic. Review status: criteria provided, multiple submitters, no conflicts (2 of 4 stars). 2 submissions from 2 submitters: Pathogenic (2). Last evaluated 2025-07-23.

Conditions:
Hereditary nonpolyposis colorectal neoplasms. Identifiers: MedGen C0009405, MeSH D003123.
Lynch syndrome 5 (LYNCH5). Also called: Hereditary non-polyposis colorectal cancer, type 5; Colorectal cancer, hereditary nonpolyposis, type 5. Identifiers: Orphanet 144, MedGen C1833477, MONDO:0013710, OMIM 614350. Disease mechanism: loss of function.

Submissions (2):

Labcorp Genetics (formerly Invitae), Labcorp
Classification: Pathogenic for Hereditary nonpolyposis colorectal neoplasms. Last evaluated: 2025-07-23. Review status: criteria provided, single submitter. Criteria: Invitae Variant Classification Sherloc (09022015). Collection method: clinical testing. Allele origin: germline.
Comment: This sequence change creates a premature translational stop signal (p.Arg1321Serfs*5) in the MSH6 gene. While this is not anticipated to result in nonsense mediated decay, it is expected to disrupt the last 40 amino acid(s) of the MSH6 protein. This variant is not present in population databases (gnomAD no frequency). This variant has not been reported in the literature in individuals affected with MSH6-related conditions. ClinVar contains an entry for this variant (Variation ID: 2673753). This variant disrupts a region of the MSH6 protein in which other variant(s) (p.Arg1331*) have been determined to be pathogenic (PMID: 16034045, 18301448, 20587412, 21056691, 21642682, 27601186). This suggests that this is a clinically significant region of the protein, and that variants that disrupt it are likely to be disease-causing. For these reasons, this variant has been classified as Pathogenic.

Myriad Genetics, Inc.
Classification: Pathogenic for Lynch syndrome 5. Last evaluated: 2023-08-28. Review status: criteria provided, single submitter. Criteria: Myriad Autosomal Dominant, Autosomal Recessive and X-Linked Classification Criteria (2023). Collection method: clinical testing. Allele origin: unknown.
Comment: This variant is considered pathogenic. This variant creates a frameshift predicted to result in premature protein truncation.

Literature cited by the submitters: PubMed 16034045 (cited by Labcorp Genetics (formerly Invitae), Labcorp); PubMed 18301448 (cited by Labcorp Genetics (formerly Invitae), Labcorp); PubMed 20587412 (cited by Labcorp Genetics (formerly Invitae), Labcorp); PubMed 21056691 (cited by Labcorp Genetics (formerly Invitae), Labcorp); PubMed 21642682 (cited by Labcorp Genetics (formerly Invitae), Labcorp); PubMed 27601186 (cited by Labcorp Genetics (formerly Invitae), Labcorp).

NM_000179.3(MSH6):c.3959_3962dup (p.Arg1321fs)

Gene: MSH6 (mutS homolog 6; plus strand). Cytogenetic location: 2p16.3.
Variant type: Duplication.
Coding change: c.3959_3962dup on transcript NM_000179.3 (MANE Select); coding-DNA positions 3959 to 3962, 4 bases duplicated (CAAG; older notation c.3959_3962dupCAAG).
Protein change: p.Arg1321fs; shifts the reading frame from arginine 1321.
Molecular consequence: frameshift variant. On other transcripts: non-coding transcript variant (5), intron variant (1).
Genome position (GRCh38, 1-based): chr2:47,806,609-47,806,612, CAAG duplicated; duplicating any 4 consecutive bases within chr2:47,806,606-47,806,612 gives the same sequence; the c. name uses the placement nearest the transcript's 3' end. VCF-style (leftmost placement, unchanged base first): chr2-47806605-A-AAAGC. GRCh37 (hg19) VCF-style: chr2-48033744-A-AAAGC.
Other names: c.3569_3572dup, p.Arg1191fs (NM_001281492.2); c.3053_3056dup, p.Arg1019fs (NM_001281493.2, NM_001281494.2, NM_001406811.1 and 6 more transcripts); c.4055_4058dup, p.Arg1353fs (NM_001406795.1); c.3959_3962dup, p.Arg1321fs (NM_001406796.1, NM_001406808.1, NM_001406809.1); c.3662_3665dup, p.Arg1222fs (NM_001406797.1, NM_001406801.1, NM_001406805.1 and 10 more transcripts); c.3785_3788dup, p.Arg1263fs (NM_001406798.1); c.3434_3437dup, p.Arg1146fs (NM_001406799.1, NM_001406806.1, NM_001406807.1); c.3946_3949dup, p.Glu1317fs (NM_001406800.1); and 9 more; short protein forms E1317fs, R1019fs, R1033fs, R1146fs, R1191fs, R1222fs, R1263fs, R1265fs.
Identifiers: ClinVar variation 2673753 (VCV002673753.2), dbSNP rs267608120, ClinGen allele CA2695200527.